The following is an entry in ClinVar:

ClinVar aggregate classification (germline): Uncertain significance (1 of 4 stars; one submission).

Conditions:
Progressive sclerosing poliodystrophy (MTDPS4A). Also called: ALPERS PROGRESSIVE INFANTILE POLIODYSTROPHY; NEURONAL DEGENERATION OF CHILDHOOD WITH LIVER DISEASE, PROGRESSIVE; Mitochondrial DNA depletion syndrome 4A (Alpers type); Mitochondrial DNA Depletion Syndrome 4A; Alpers-Huttenlocher Syndrome (AHS); Alpers Syndrome. Identifiers: Orphanet 726, MedGen C0205710, MONDO:0008758, OMIM 203700.

Allele frequency attached by ClinVar (database versions not stated): gnomAD exomes below 0.00001.
gnomAD v4.1: 2 of 1,606,640 alleles (0.00012%); highest among the groups gnomAD compares: Non-Finnish European, 0.000085%; no homozygotes.

Submission:

Labcorp Genetics (formerly Invitae), Labcorp
Classification: Uncertain significance for Progressive sclerosing poliodystrophy. Last evaluated: 2023-12-08. Review status: criteria provided, single submitter. Criteria: Invitae Variant Classification Sherloc (09022015). Collection method: clinical testing. Allele origin: germline.
Comment: This sequence change replaces tryptophan, which is neutral and slightly polar, with cysteine, which is neutral and slightly polar, at codon 113 of the POLG protein (p.Trp113Cys). This variant is not present in population databases (gnomAD no frequency). This variant has not been reported in the literature in individuals affected with POLG-related conditions. Advanced modeling of protein sequence and biophysical properties (such as structural, functional, and spatial information, amino acid conservation, physicochemical variation, residue mobility, and thermodynamic stability) performed at Invitae indicates that this missense variant is expected to disrupt POLG protein function with a positive predictive value of 95%. In summary, the available evidence is currently insufficient to determine the role of this variant in disease. Therefore, it has been classified as a Variant of Uncertain Significance.

NM_002693.3(POLG):c.339G>T (p.Trp113Cys)

Genes: POLG (DNA polymerase gamma, catalytic subunit; minus strand), POLGARF (POLG alternative reading frame; minus strand). Cytogenetic location: 15q26.1.
Variant type: single nucleotide variant.
Coding change: c.339G>T on transcript NM_002693.3 (MANE Select); coding-DNA position 339, G replaced by T.
Protein change: p.Trp113Cys; replaces tryptophan 113 with cysteine.
Molecular consequence: missense variant.
Genome position (GRCh38, 1-based): chr15:89,333,416, C>A on the plus strand (G>T on the coding strand, the complement: POLG is on the minus strand). VCF-style: chr15-89333416-C-A. GRCh37 (hg19) VCF-style: chr15-89876647-C-A.
Other names: c.339G>T, p.Trp113Cys (NM_001126131.2); short protein forms W113C.
Identifiers: ClinVar variation 2701468 (VCV002701468.3), dbSNP rs2509275817, ClinGen allele CA393772532.